The following is an entry in ClinVar:

ClinVar aggregate classification (germline): Uncertain significance (1 of 4 stars; one submission).

Conditions:
RASopathy. Also called: Noonan spectrum disorder; rasopathies. Identifiers: Orphanet 536391, MedGen C5555857, MONDO:0021060.

Submission:

Labcorp Genetics (formerly Invitae), Labcorp
Classification: Uncertain significance for RASopathy. Last evaluated: 2025-12-26. Review status: criteria provided, single submitter. Criteria: Invitae Variant Classification Sherloc (09022015). Collection method: clinical testing. Allele origin: germline.
Comment: This sequence change replaces threonine, which is neutral and polar, with isoleucine, which is neutral and non-polar, at codon 218 of the BRAF protein (p.Thr218Ile). This variant is not present in population databases (gnomAD no frequency). This variant has not been reported in the literature in individuals affected with BRAF-related conditions. Invitae Evidence Modeling of protein sequence and biophysical properties (such as structural, functional, and spatial information, amino acid conservation, physicochemical variation, residue mobility, and thermodynamic stability) indicates that this missense variant is not expected to disrupt BRAF protein function with a negative predictive value of 95%. In summary, the available evidence is currently insufficient to determine the role of this variant in disease. Therefore, it has been classified as a Variant of Uncertain Significance.

NM_004333.6(BRAF):c.653C>T (p.Thr218Ile)

Gene: BRAF (B-Raf proto-oncogene, serine/threonine kinase; minus strand). Cytogenetic location: 7q34.
Variant type: single nucleotide variant.
Coding change: c.653C>T on transcript NM_004333.6 (MANE Select); coding-DNA position 653, C replaced by T.
Protein change: p.Thr218Ile; replaces threonine 218 with isoleucine.
Molecular consequence: missense variant.
Genome position (GRCh38, 1-based): chr7:140,808,018, G>A on the plus strand (C>T on the coding strand, the complement: BRAF is on the minus strand). VCF-style: chr7-140808018-G-A. GRCh37 (hg19) VCF-style: chr7-140507818-G-A.
Other names: c.653C>T, p.Thr218Ile (NM_001354609.2, NM_001374244.1, NM_001374258.1 and 4 more transcripts); c.662C>T, p.Thr221Ile (NM_001378467.1); c.551C>T, p.Thr184Ile (NM_001378470.1); c.497C>T, p.Thr166Ile (NM_001378472.1, NM_001378473.1); c.389C>T, p.Thr130Ile (NM_001378475.1); short protein forms T130I, T221I, T166I, T184I, T218I.
Identifiers: ClinVar variation 4746374 (VCV004746374.1).